The following is an entry in ClinVar:

NC_000011.9:g.(?_108124521)_(108150355_?)dup

Gene: ATM (ATM serine/threonine kinase; plus strand). Cytogenetic location: 11q22.3.
Variant type: Duplication.
Identifiers: ClinVar variation 3244489 (VCV003244489.1).

ClinVar aggregate classification (germline): Likely pathogenic (1 of 4 stars; one submission).

Conditions:
Ataxia-telangiectasia syndrome (AT). Also called: LOUIS-BAR SYNDROME; Cerebello-oculocutaneous telangiectasia; Immunodeficiency with ataxia telangiectasia; AT, COMPLEMENTATION GROUP C; Ataxia-telangiectasia, complementation group D; ATAXIA-TELANGIECTASIA, COMPLEMENTATION GROUP A. Identifiers: Orphanet 100, MedGen C0004135, MONDO:0008840, OMIM 208900.

Submission:

Labcorp Genetics (formerly Invitae), Labcorp
Classification: Likely pathogenic for Ataxia-telangiectasia syndrome. Last evaluated: 2023-12-03. Review status: criteria provided, single submitter. Criteria: Invitae Variant Classification Sherloc (09022015). Collection method: clinical testing. Allele origin: unknown.
Comment: This variant results in a copy number gain of the genomic region encompassing exon(s) 13-23 of the ATM gene. While the exact position of this variant cannot be determined from the data, sub-genic copy number gains are generally in tandem (PMID: 25640679). This variant is predicted to be out-of-frame, and may result in an absent or disrupted protein product. Loss-of-function variants in ATM are known to be pathogenic (PMID: 23807571, 25614872). This variant has not been reported in the literature in individuals affected with ATM-related conditions. In summary, the currently available evidence indicates that the variant is pathogenic, but additional data are needed to prove that conclusively. Therefore, this variant has been classified as Likely Pathogenic.

Literature cited by the submitters: PubMed 25640679; PubMed 23807571; PubMed 25614872.